The following is an entry in ClinVar:

NM_001458.5(FLNC):c.7222G>A (p.Ala2408Thr)

Genes: FLNC-AS1 (FLNC antisense RNA 1; minus strand), FLNC (filamin C; plus strand). Cytogenetic location: 7q32.1.
Variant type: single nucleotide variant.
Coding change: c.7222G>A on transcript NM_001458.5 (MANE Select); coding-DNA position 7222, G replaced by A.
Protein change: p.Ala2408Thr; replaces alanine 2408 with threonine.
Molecular consequence: missense variant.
Genome position (GRCh38, 1-based): chr7:128,855,285, G>A. VCF-style: chr7-128855285-G-A. GRCh37 (hg19) VCF-style: chr7-128495339-G-A.
Other names: c.7123G>A, p.Ala2375Thr (NM_001127487.2); short protein forms A2408T, A2375T.
Identifiers: ClinVar variation 539346 (VCV000539346.9), dbSNP rs376257910, ClinGen allele CA166193551.

ClinVar aggregate classification (germline): Uncertain significance. Review status: criteria provided, multiple submitters, no conflicts (2 of 4 stars). 2 submissions from 2 submitters: Uncertain significance (2). Last evaluated 2025-12-31.

Conditions:
Distal myopathy with posterior leg and anterior hand involvement. Also called: WILLIAMS DISTAL MYOPATHY. Identifiers: Orphanet 63273, MedGen C3279722, MONDO:0013550, OMIM 614065.
Myofibrillar myopathy 5. Also called: Filaminopathy (type); FILAMINOPATHY, AUTOSOMAL DOMINANT. Identifiers: Orphanet 171445, MedGen C1836050, MONDO:0012289, OMIM 609524.
Hypertrophic cardiomyopathy 26. Also called: Cardiomyopathy, familial hypertrophic, 26. Identifiers: Orphanet 75249, MedGen C4310749, MONDO:0014883, OMIM 617047.
Cardiovascular phenotype. Identifiers: MedGen CN230736.

Allele frequency attached by ClinVar (database versions not stated): gnomAD exomes below 0.00001; TOPMed below 0.00001; gnomAD 0.00001; ESP Exome Variant Server 0.00008.
gnomAD v4.1: 6 of 1,612,944 alleles (0.00037%); highest among the groups gnomAD compares: African/African-American, 0.0013%; no homozygotes.

Submissions (2):

Labcorp Genetics (formerly Invitae), Labcorp
Classification: Uncertain significance for Distal myopathy with posterior leg and anterior hand involvement; Myofibrillar myopathy 5; Hypertrophic cardiomyopathy 26. Last evaluated: 2025-12-31. Review status: criteria provided, single submitter. Criteria: Invitae Variant Classification Sherloc (09022015). Collection method: clinical testing. Allele origin: germline.
Comment: This sequence change replaces alanine, which is neutral and non-polar, with threonine, which is neutral and polar, at codon 2408 of the FLNC protein (p.Ala2408Thr). This variant is not present in population databases (gnomAD no frequency). This variant has not been reported in the literature in individuals affected with FLNC-related conditions. ClinVar contains an entry for this variant (Variation ID: 539346). An algorithm developed to predict the effect of missense changes on protein structure and function (PolyPhen-2) suggests that this variant is likely to be disruptive. In summary, the available evidence is currently insufficient to determine the role of this variant in disease. Therefore, it has been classified as a Variant of Uncertain Significance.

Ambry Genetics
Classification: Uncertain significance for Cardiovascular phenotype. Last evaluated: 2021-11-22. Review status: criteria provided, single submitter. Criteria: Ambry Variant Classification Scheme 2023. Collection method: clinical testing. Allele origin: germline.
Comment: The p.A2408T variant (also known as c.7222G>A), located in coding exon 43 of the FLNC gene, results from a G to A substitution at nucleotide position 7222. The alanine at codon 2408 is replaced by threonine, an amino acid with similar properties. This amino acid position is conserved. In addition, the in silico prediction for this alteration is inconclusive. Since supporting evidence is limited at this time, the clinical significance of this alteration remains unclear.